The following is an entry in ClinVar:

ClinVar aggregate classification (germline): Uncertain significance. Review status: criteria provided, multiple submitters, no conflicts (2 of 4 stars). 4 submissions from 4 submitters: Uncertain significance (4). Last evaluated 2026-01-27.

Conditions:
Hereditary cancer-predisposing syndrome. Also called: Neoplastic Syndromes, Hereditary; Hereditary Cancer Syndrome; Tumor predisposition; Hereditary neoplastic syndrome. Identifiers: Orphanet 140162, MedGen C0027672, MeSH D009386, MONDO:0015356.

Allele frequency attached by ClinVar (database versions not stated): gnomAD exomes below 0.00001 and 0.00001; ExAC 0.00002.
gnomAD v4.1: 4 of 1,606,880 alleles (0.00025%); highest among the groups gnomAD compares: African/African-American, 0.0013%; no homozygotes.

Submissions (4):

Labcorp Genetics (formerly Invitae), Labcorp
Classification: Uncertain significance. Last evaluated: 2026-01-27. Review status: criteria provided, single submitter. Criteria: Invitae Variant Classification Sherloc (09022015). Collection method: clinical testing. Allele origin: germline.
Comment: This sequence change replaces asparagine, which is neutral and polar, with lysine, which is basic and polar, at codon 302 of the NTHL1 protein (p.Asn302Lys). This variant is present in population databases (rs759356343, gnomAD 0.003%). This variant has not been reported in the literature in individuals affected with NTHL1-related conditions. ClinVar contains an entry for this variant (Variation ID: 646860). An algorithm developed to predict the effect of missense changes on protein structure and function (PolyPhen-2) suggests that this variant is likely to be tolerated. In summary, the available evidence is currently insufficient to determine the role of this variant in disease. Therefore, it has been classified as a Variant of Uncertain Significance.

Ambry Genetics
Classification: Uncertain significance for Hereditary cancer-predisposing syndrome. Last evaluated: 2025-07-14. Review status: criteria provided, single submitter. Criteria: Ambry Variant Classification Scheme 2023. Collection method: clinical testing. Allele origin: germline.
Comment: The p.N302K variant (also known as c.906C>G), located in coding exon 6 of the NTHL1 gene, results from a C to G substitution at nucleotide position 906. The asparagine at codon 302 is replaced by lysine, an amino acid with similar properties. This amino acid position is highly conserved in available vertebrate species. In addition, the in silico prediction for this alteration is inconclusive. Since supporting evidence is limited at this time, the clinical significance of this alteration remains unclear.

Quest Diagnostics Nichols Institute San Juan Capistrano
Classification: Uncertain significance. Last evaluated: 2025-06-02. Review status: criteria provided, single submitter. Criteria: Quest Diagnostics criteria. Collection method: clinical testing. Allele origin: unknown.
Comment: The NTHL1 c.906C>G (p.Asn302Lys) variant has not been reported in individuals with NTHL1-related conditions in the published literature. The frequency of this variant in the general population (Genome Aggregation Database) is uninformative in the assessment of its pathogenicity. Analysis of this variant using bioinformatics tools for the prediction of the effect of amino acid changes on protein structure and function yielded predictions that this variant is damaging. Based on the available information, we are unable to determine the clinical significance of this variant.

CeGaT Center for Human Genetics Tuebingen
Classification: Uncertain significance. Last evaluated: 2023-02-01. Review status: criteria provided, single submitter. Criteria: CeGaT Center For Human Genetics Tuebingen Variant Classification Criteria Version 2. Collection method: clinical testing. Allele origin: germline. Affected: yes. Observed: 1 variant allele.
Comment: NTHL1: PM2

NM_002528.7(NTHL1):c.882C>G (p.Asn294Lys)

Gene: NTHL1 (nth like DNA glycosylase 1; minus strand). Cytogenetic location: 16p13.3.
Variant type: single nucleotide variant.
Coding change: c.882C>G on transcript NM_002528.7 (MANE Select); coding-DNA position 882, C replaced by G.
Protein change: p.Asn294Lys; replaces asparagine 294 with lysine.
Molecular consequence: missense variant.
Genome position (GRCh38, 1-based): chr16:2,039,957, G>C on the plus strand (C>G on the coding strand, the complement: NTHL1 is on the minus strand). VCF-style: chr16-2039957-G-C. GRCh37 (hg19) VCF-style: chr16-2089958-G-C.
Other names: c.882C>G, p.Asn294Lys (LRG_1366t1); c.711C>G, p.Asn237Lys (NM_001318193.2); c.552C>G, p.Asn184Lys (NM_001318194.2); short protein forms N294K, N237K, N184K.
Identifiers: ClinVar variation 646860 (VCV000646860.41), dbSNP rs759356343, ClinGen allele CA7828070.